The following is an entry in ClinVar:

ClinVar aggregate classification (germline): Uncertain significance. Review status: criteria provided, multiple submitters, no conflicts (2 of 4 stars). 5 submissions from 5 submitters: Uncertain significance (5). Last evaluated 2026-01-06.

Conditions:
Cardiac arrhythmia. Also called: Cardiac rhythm disease; Arrhythmia. Identifiers: MedGen C0003811, MONDO:0007263, HP:0011675.
Cardiovascular phenotype. Identifiers: MedGen CN230736.
Long QT syndrome (LQTS). Identifiers: MedGen C0023976, MeSH D008133, MONDO:0002442. Disease mechanism: loss of function. Inheritance: Various modes of inheritance.
Atrial fibrillation, familial, 3 (ATFB3). Identifiers: MedGen C1837014, MONDO:0011857, OMIM 607554.
Beckwith-Wiedemann syndrome (BWS). Also called: EMG SYNDROME; Exomphalos macroglossia gigantism syndrome. Identifiers: Orphanet 116, MedGen C0004903, MONDO:0007534, OMIM 130650.
Jervell and Lange-Nielsen syndrome 1 (JLNS1). Also called: CARDIOAUDITORY SYNDROME OF JERVELL AND LANGE-NIELSEN; DEAFNESS, CONGENITAL, AND FUNCTIONAL HEART DISEASE; PROLONGED QT INTERVAL IN EKG AND SUDDEN DEATH; SURDO-CARDIAC SYNDROME. Identifiers: Orphanet 768, Orphanet 90647, MedGen C4551509, MONDO:0024540, OMIM 220400.
Short QT syndrome type 2. Identifiers: Orphanet 51083, MedGen C1865019, MONDO:0012313, OMIM 609621.
Long QT syndrome 1 (LQT1). Identifiers: Orphanet 101016, Orphanet 768, MedGen C4551647, MONDO:0100316, OMIM 192500, MONDO:0008646.

Allele frequency attached by ClinVar (database versions not stated): ExAC 0.00001; gnomAD exomes 0.00001 and 0.00002; gnomAD 0.00003; TOPMed 0.00003.
gnomAD v4.1: 26 of 1,613,592 alleles (0.0016%); highest among the groups gnomAD compares: Non-Finnish European, 0.0022%; no homozygotes.

Submissions (5):

Labcorp Genetics (formerly Invitae), Labcorp
Classification: Uncertain significance for Long QT syndrome. Last evaluated: 2026-01-06. Review status: criteria provided, single submitter. Criteria: Invitae Variant Classification Sherloc (09022015). Collection method: clinical testing. Allele origin: germline.
Comment: This sequence change replaces lysine, which is basic and polar, with arginine, which is basic and polar, at codon 413 of the KCNQ1 protein (p.Lys413Arg). This variant is present in population databases (no rsID available, gnomAD 0.002%). This variant has not been reported in the literature in individuals affected with KCNQ1-related conditions. ClinVar contains an entry for this variant (Variation ID: 919123). Invitae Evidence Modeling of protein sequence and biophysical properties (such as structural, functional, and spatial information, amino acid conservation, physicochemical variation, residue mobility, and thermodynamic stability) indicates that this missense variant is not expected to disrupt KCNQ1 protein function with a negative predictive value of 95%. In summary, the available evidence is currently insufficient to determine the role of this variant in disease. Therefore, it has been classified as a Variant of Uncertain Significance.

Ambry Genetics
Classification: Uncertain significance for Cardiovascular phenotype. Last evaluated: 2025-02-06. Review status: criteria provided, single submitter. Criteria: Ambry Variant Classification Scheme 2023. Collection method: clinical testing. Allele origin: germline.
Comment: The p.K413R variant (also known as c.1238A>G), located in coding exon 9 of the KCNQ1 gene, results from an A to G substitution at nucleotide position 1238. The lysine at codon 413 is replaced by arginine, an amino acid with highly similar properties, and is located in the cytoplasmic C-terminal region. This amino acid position is highly conserved in available vertebrate species. In addition, the in silico prediction for this alteration is inconclusive. Since supporting evidence is limited at this time, the clinical significance of this alteration remains unclear.

All of Us Research Program, National Institutes of Health
Classification: Uncertain significance for Long QT syndrome. Last evaluated: 2024-09-23. Review status: criteria provided, single submitter. Criteria: ACMG Guidelines, 2015. Collection method: clinical testing. Allele origin: germline. Inheritance: Autosomal dominant inheritance. Observed: 3 variant alleles, 3 heterozygotes.
Comment: This missense variant replaces lysine with arginine at codon 413 of the KCNQ1 protein. Computational prediction is inconclusive regarding the impact of this variant on protein structure and function (internally defined REVEL score threshold 0.5 < inconclusive < 0.7, PMID: 27666373). To our knowledge, functional studies have not been reported for this variant. This variant has not been reported in individuals affected with cardiovascular disorders in the literature. This variant has been identified in 2/251260 chromosomes in the general population by the Genome Aggregation Database (gnomAD). The available evidence is insufficient to determine the role of this variant in disease conclusively. Therefore, this variant is classified as a Variant of Uncertain Significance.

This study involves interpretation of variants in research participants for the purpose of population health screening. Participant phenotype was not available at the time of variant classification. Additional details can be found in publication PMID: 35346344, PMCID: PMC8962531

Color Diagnostics, LLC DBA Color Health
Classification: Uncertain significance for Cardiac arrhythmia. Last evaluated: 2023-05-25. Review status: criteria provided, single submitter. Criteria: ACMG Guidelines, 2015. Collection method: clinical testing. Allele origin: germline.
Comment: This missense variant replaces lysine with arginine at codon 413 of the KCNQ1 protein. Computational prediction is inconclusive regarding the impact of this variant on protein structure and function (internally defined REVEL score threshold 0.5 < inconclusive < 0.7, PMID: 27666373). To our knowledge, functional studies have not been reported for this variant. This variant has not been reported in individuals affected with KCNQ1-related disorders in the literature. This variant has been identified in 2/251260 chromosomes in the general population by the Genome Aggregation Database (gnomAD). The available evidence is insufficient to determine the role of this variant in disease conclusively. Therefore, this variant is classified as a Variant of Uncertain Significance.

Fulgent Genetics
Classification: Uncertain significance for Beckwith-Wiedemann syndrome; Long QT syndrome 1; Jervell and Lange-Nielsen syndrome 1; Atrial fibrillation, familial, 3; Short QT syndrome type 2. Last evaluated: 2021-09-15. Review status: criteria provided, single submitter. Criteria: ACMG Guidelines, 2015. Collection method: clinical testing. Allele origin: unknown.

NM_000218.3(KCNQ1):c.1238A>G (p.Lys413Arg)

Gene: KCNQ1 (potassium voltage-gated channel subfamily Q member 1; plus strand). Cytogenetic location: 11p15.5.
Variant type: single nucleotide variant.
Coding change: c.1238A>G on transcript NM_000218.3 (MANE Select); coding-DNA position 1238, A replaced by G.
Protein change: p.Lys413Arg; replaces lysine 413 with arginine.
Molecular consequence: missense variant.
Genome position (GRCh38, 1-based): chr11:2,587,679, A>G. VCF-style: chr11-2587679-A-G. GRCh37 (hg19) VCF-style: chr11-2608909-A-G.
Other names: c.1142A>G, p.Lys381Arg (NM_001406836.1); c.968A>G, p.Lys323Arg (NM_001406837.1); c.698A>G, p.Lys233Arg (NM_001406838.1); c.857A>G, p.Lys286Arg (NM_181798.2); short protein forms K413R, K286R, K233R, K323R, K381R.
Identifiers: ClinVar variation 919123 (VCV000919123.17), dbSNP rs1351149628, ClinGen allele CA5822081.